The following is an entry in ClinVar:

NM_001277115.2(DNAH11):c.6984-3C>T

Gene: DNAH11 (dynein axonemal heavy chain 11; plus strand). Cytogenetic location: 7p15.3.
Variant type: single nucleotide variant.
Coding change: c.6984-3C>T on transcript NM_001277115.2 (MANE Select); 3 bases into the intron before coding-DNA position 6984, C replaced by T.
Molecular consequence: intron variant.
Genome position (GRCh38, 1-based): chr7:21,717,772, C>T. VCF-style: chr7-21717772-C-T. GRCh37 (hg19) VCF-style: chr7-21757390-C-T.
Identifiers: ClinVar variation 1060285 (VCV001060285.9), dbSNP rs2128482941, ClinGen allele CA2499218851.

ClinVar aggregate classification (germline): Uncertain significance (1 of 4 stars; one submission).

Conditions:
Primary ciliary dyskinesia. Also called: Ciliary dyskinesia. Identifiers: Orphanet 244, MedGen C0008780, MONDO:0016575, HP:0012265.

Submission:

Labcorp Genetics (formerly Invitae), Labcorp
Classification: Uncertain significance for Primary ciliary dyskinesia. Last evaluated: 2020-02-18. Review status: criteria provided, single submitter. Criteria: Invitae Variant Classification Sherloc (09022015). Collection method: clinical testing. Allele origin: germline.
Comment: This sequence change falls in intron 42 of the DNAH11 gene. It does not directly change the encoded amino acid sequence of the DNAH11 protein, but it affects a nucleotide within the consensus splice site of the intron. This variant has not been reported in the literature in individuals with DNAH11-related conditions. In summary, the available evidence is currently insufficient to determine the role of this variant in disease. Therefore, it has been classified as a Variant of Uncertain Significance. Nucleotide substitutions within the consensus splice site are a relatively common cause of aberrant splicing (PMID: 17576681, 9536098). Algorithms developed to predict the effect of sequence changes on RNA splicing suggest that this variant is not likely to affect RNA splicing, but this prediction has not been confirmed by published transcriptional studies. This variant is not present in population databases (ExAC no frequency).

Literature cited by the submitters: PubMed 17576681; PubMed 9536098.